The following is an entry in ClinVar:

ClinVar aggregate classification (germline): Uncertain significance (1 of 4 stars; one submission).

Conditions:
Ellis-van Creveld syndrome (EVC). Also called: EVC-Related Ellis-van Creveld Syndrome; EVC2-Related Ellis-van Creveld Syndrome; MESOECTODERMAL DYSPLASIA; Chondroectodermal dysplasia. Identifiers: Orphanet 289, MedGen C0013903, MONDO:0009162, OMIM 225500.
Curry-Hall syndrome (WAD). Also called: WEYERS ACRODENTAL DYSOSTOSIS. Identifiers: Orphanet 952, MedGen C0457013, MONDO:0008673, OMIM 193530.

Submission:

Labcorp Genetics (formerly Invitae), Labcorp
Classification: Uncertain significance for Curry-Hall syndrome; Ellis-van Creveld syndrome. Last evaluated: 2024-11-27. Review status: criteria provided, single submitter. Criteria: Invitae Variant Classification Sherloc (09022015). Collection method: clinical testing. Allele origin: germline.
Comment: This sequence change replaces glutamic acid, which is acidic and polar, with valine, which is neutral and non-polar, at codon 715 of the EVC2 protein (p.Glu715Val). This variant is not present in population databases (gnomAD no frequency). This variant has not been reported in the literature in individuals affected with EVC2-related conditions. An algorithm developed to predict the effect of missense changes on protein structure and function outputs the following: PolyPhen-2: "Benign". The valine amino acid residue is found in multiple mammalian species, which suggests that this missense change does not adversely affect protein function. In summary, the available evidence is currently insufficient to determine the role of this variant in disease. Therefore, it has been classified as a Variant of Uncertain Significance.

NM_147127.5(EVC2):c.2144A>T (p.Glu715Val)

Gene: EVC2 (EvC ciliary complex subunit 2; minus strand). Cytogenetic location: 4p16.2.
Variant type: single nucleotide variant.
Coding change: c.2144A>T on transcript NM_147127.5 (MANE Select); coding-DNA position 2144, A replaced by T.
Protein change: p.Glu715Val; replaces glutamic acid 715 with valine.
Molecular consequence: missense variant.
Genome position (GRCh38, 1-based): chr4:5,622,894, T>A on the plus strand (A>T on the coding strand, the complement: EVC2 is on the minus strand). VCF-style: chr4-5622894-T-A. GRCh37 (hg19) VCF-style: chr4-5624621-T-A.
Other names: c.1904A>T, p.Glu635Val (NM_001166136.2); short protein forms E635V, E715V.
Identifiers: ClinVar variation 3749345 (VCV003749345.1).
Genomic context (GRCh38, chr4:5,622,894, plus strand): 5'-TCGTCCAGGGCGGCCTGGTCCAGACGCTCCTGCAGCTCCTCCAGGGTGGCACCGTGCTCC[T>A]CCATCAGGCTCCTCTTCTGGTGCAGGTACTGGCCGGCATCCTCAACCGTTCGGAAGGCCT-3'
Protein context (NP_667338.3, residues 705-725): QYLHQKRSLM[Glu715Val]EHGATLEELQ